The following is an entry in ClinVar:

NM_001042492.3(NF1):c.288+1131T>A

Gene: NF1 (neurofibromin 1; plus strand). Cytogenetic location: 17q11.2.
Variant type: single nucleotide variant.
Coding change: c.288+1131T>A on transcript NM_001042492.3 (MANE Select); 1131 bases into the intron after coding-DNA position 288, T replaced by A.
Molecular consequence: intron variant.
Genome position (GRCh38, 1-based): chr17:31,160,224, T>A. VCF-style: chr17-31160224-T-A. GRCh37 (hg19) VCF-style: chr17-29487242-T-A.
Other names: c.288+1131T>A (NM_000267.4, NM_001128147.3).
Identifiers: ClinVar variation 3050476 (VCV003050476.2), dbSNP rs1359274260, ClinGen allele CA728019477.

ClinVar aggregate classification (germline): Likely benign (0 of 4 stars; one submission).

Conditions:
NF1-related disorder. Also called: NF1-related condition. Identifiers: MedGen CN379171.

Allele frequency attached by ClinVar (database versions not stated): TOPMed 0.00003.

Submission:

PreventionGenetics, part of Exact Sciences
Classification: Likely benign for NF1-related condition. Last evaluated: 2019-07-17. Review status: no assertion criteria provided. Collection method: clinical testing. Allele origin: germline.
Comment: This variant is classified as likely benign based on ACMG/AMP sequence variant interpretation guidelines (Richards et al. 2015 PMID: 25741868, with internal and published modifications).